The following is an entry in ClinVar:

ClinVar aggregate classification (germline): Pathogenic (1 of 4 stars; one submission).

Submission:

GeneDx
Classification: Pathogenic. Last evaluated: 2025-08-06. Review status: criteria provided, single submitter. Criteria: GeneDx Variant Classification Process June 2021. Collection method: clinical testing. Allele origin: germline. Affected: yes.
Comment: Intronic variant directly or indirectly altering the +5 splice site in a gene for which loss of function is a known mechanism of disease, and splice predictors support a deleterious effect; Not observed at significant frequency in large population cohorts (gnomAD); This variant is associated with the following publications: (PMID: 31618753)

NM_022455.5(NSD1):c.4378+5G>C

Gene: NSD1 (nuclear receptor binding SET domain protein 1; plus strand). Cytogenetic location: 5q35.3.
Variant type: single nucleotide variant.
Coding change: c.4378+5G>C on transcript NM_022455.5 (MANE Select); 5 bases into the intron after coding-DNA position 4378, G replaced by C.
Molecular consequence: intron variant.
Genome position (GRCh38, 1-based): chr5:177,244,275, G>C. VCF-style: chr5-177244275-G-C. GRCh37 (hg19) VCF-style: chr5-176671276-G-C.
Other names: c.4378+5G>C (NM_001409301.1, NM_001409302.1, NM_001409303.1); c.3958+5G>C (NM_001409304.1); c.3625+5G>C (NM_001409305.1); c.3505+5G>C (NM_001409306.1, NM_001409308.1, NM_001409307.1 and 3 more transcripts).
Identifiers: ClinVar variation 418390 (VCV000418390.3), dbSNP rs1064793218, ClinGen allele CA16618174.
Genomic context (GRCh38, chr5:177,244,275, plus strand): 5'-GGAGAATGGCATAACTGAATCTTGTGCCACATCTTATTCAAAAGATTTTGGTGGAGGTGA[G>C]TATTTTTGAGATTTAAAAAACGTAATGCAGTAGTAAGTTTGAAGTGCTTTGTCTGTTAAC-3'